The following is an entry in ClinVar:

ClinVar aggregate classification (germline): Uncertain significance. Review status: criteria provided, multiple submitters, no conflicts (2 of 4 stars). 4 submissions from 4 submitters: Uncertain significance (3). 1 of the submissions does not count toward it. Last evaluated 2022-09-26.

Conditions:
Spastic paraplegia. Identifiers: MedGen C0037772, HP:0001258.
Charlevoix-Saguenay spastic ataxia (SACS). Also called: AUTOSOMAL RECESSIVE SPASTIC ATAXIA OF CHARLEVOIX-SAGUENAY; SPASTIC ATAXIA 6, AUTOSOMAL RECESSIVE; Spastic ataxia of Charlevoix-Saguenay. Identifiers: Orphanet 98, MedGen C1849140, MONDO:0010041, OMIM 270550.

Allele frequency attached by ClinVar (database versions not stated): TOPMed 0.00002.
gnomAD v4.1: 8 of 1,613,942 alleles (0.0005%); highest among the groups gnomAD compares: African/African-American, 0.0013%; no homozygotes.

Submissions (4):

Labcorp Genetics (formerly Invitae), Labcorp
Classification: Uncertain significance for Spastic paraplegia. Last evaluated: 2022-09-26. Review status: criteria provided, single submitter. Criteria: Invitae Variant Classification Sherloc (09022015). Collection method: clinical testing. Allele origin: germline.
Comment: This sequence change replaces threonine, which is neutral and polar, with isoleucine, which is neutral and non-polar, at codon 1904 of the SACS protein (p.Thr1904Ile). This variant is present in population databases (no rsID available, gnomAD 0.007%). This variant has not been reported in the literature in individuals affected with SACS-related conditions. ClinVar contains an entry for this variant (Variation ID: 806987). Advanced modeling of protein sequence and biophysical properties (such as structural, functional, and spatial information, amino acid conservation, physicochemical variation, residue mobility, and thermodynamic stability) performed at Invitae indicates that this missense variant is not expected to disrupt SACS protein function. In summary, the available evidence is currently insufficient to determine the role of this variant in disease. Therefore, it has been classified as a Variant of Uncertain Significance.

Genome-Nilou Lab
Classification: Uncertain significance for Charlevoix-Saguenay spastic ataxia. Last evaluated: 2021-09-05. Review status: criteria provided, single submitter. Criteria: ACMG Guidelines, 2015. Collection method: clinical testing. Allele origin: germline. Affected: no.

CeGaT Center for Human Genetics Tuebingen
Classification: Uncertain significance. Last evaluated: 2017-10-01. Review status: criteria provided, single submitter. Criteria: CeGaT Center For Human Genetics Tuebingen Variant Classification Criteria Version 2. Collection method: clinical testing. Allele origin: germline. Affected: yes. Observed: 1 variant allele.

Natera, Inc.
Classification: Uncertain significance for Charlevoix-Saguenay type spastic ataxia. Last evaluated: 2020-07-31. Review status: no assertion criteria provided. Collection method: clinical testing. Allele origin: germline. Not counted in ClinVar's aggregate classification.

NM_014363.6(SACS):c.5711C>T (p.Thr1904Ile)

Gene: SACS (sacsin molecular chaperone; minus strand). Cytogenetic location: 13q12.12.
Variant type: single nucleotide variant.
Coding change: c.5711C>T on transcript NM_014363.6 (MANE Select); coding-DNA position 5711, C replaced by T.
Protein change: p.Thr1904Ile; replaces threonine 1904 with isoleucine.
Molecular consequence: missense variant.
Genome position (GRCh38, 1-based): chr13:23,338,165, G>A on the plus strand (C>T on the coding strand, the complement: SACS is on the minus strand). VCF-style: chr13-23338165-G-A. GRCh37 (hg19) VCF-style: chr13-23912304-G-A.
Other names: c.5270C>T, p.Thr1757Ile (NM_001278055.2); short protein forms T1904I, T1757I.
Identifiers: ClinVar variation 806987 (VCV000806987.53), dbSNP rs758570844, ClinGen allele CA387524941.